The following is an entry in ClinVar:

ClinVar aggregate classification (germline): Uncertain significance (1 of 4 stars; one submission).

Conditions:
Primary dilated cardiomyopathy (DCM). Also called: Dilated Cardiomyopathy. Identifiers: Orphanet 217604, MedGen C0007193, MeSH D002311, MONDO:0005021, HP:0001644. Inheritance: Various modes of inheritance.

Allele frequency attached by ClinVar (database versions not stated): TOPMed 0.00001.

Submission:

Labcorp Genetics (formerly Invitae), Labcorp
Classification: Uncertain significance for Primary dilated cardiomyopathy. Last evaluated: 2024-05-06. Review status: criteria provided, single submitter. Criteria: Invitae Variant Classification Sherloc (09022015). Collection method: clinical testing. Allele origin: germline.
Comment: This sequence change replaces threonine, which is neutral and polar, with methionine, which is neutral and non-polar, at codon 19 of the TXNRD2 protein (p.Thr19Met). The frequency data for this variant in the population databases is considered unreliable, as metrics indicate poor data quality at this position in the gnomAD database. This variant has not been reported in the literature in individuals affected with TXNRD2-related conditions. ClinVar contains an entry for this variant (Variation ID: 1719421). An algorithm developed to predict the effect of missense changes on protein structure and function (PolyPhen-2) suggests that this variant is likely to be tolerated. In summary, the available evidence is currently insufficient to determine the role of this variant in disease. Therefore, it has been classified as a Variant of Uncertain Significance.

NM_006440.5(TXNRD2):c.56C>T (p.Thr19Met)

Genes: TXNRD2 (thioredoxin reductase 2; minus strand), LOC130066960 (ATAC-STARR-seq lymphoblastoid silent region 13467; plus strand). Cytogenetic location: 22q11.21.
Variant type: single nucleotide variant.
Coding change: c.56C>T on transcript NM_006440.5 (MANE Select); coding-DNA position 56, C replaced by T.
Protein change: p.Thr19Met; replaces threonine 19 with methionine.
Molecular consequence: missense variant. On other transcripts: non-coding transcript variant (1).
Genome position (GRCh38, 1-based): chr22:19,941,748, G>A on the plus strand (C>T on the coding strand, the complement: TXNRD2 is on the minus strand). VCF-style: chr22-19941748-G-A. GRCh37 (hg19) VCF-style: chr22-19929271-G-A.
Other names: c.56C>T, p.Thr19Met (NM_001282512.3, NM_001352300.2); c.-241G>A (NM_000754.3); short protein forms T19M.
Identifiers: ClinVar variation 1719421 (VCV001719421.6), dbSNP rs1333679310, ClinGen allele CA410700080.